The following is an entry in ClinVar:

NC_000016.9:g.(?_2029297)_(2096295_?)del

Genes: GFER (growth factor, augmenter of liver regeneration; plus strand), NHERF2 (NHERF family PDZ scaffold protein 2; plus strand), NOXO1 (NADPH oxidase organizer 1; minus strand), NPW (neuropeptide W; plus strand), NTHL1 (nth like DNA glycosylase 1; minus strand) and 2 more. Cytogenetic location: 16p13.3.
Variant type: Deletion.
Identifiers: ClinVar variation 1455610 (VCV001455610.4).

ClinVar aggregate classification (germline): Pathogenic (1 of 4 stars; one submission).

Submission:

Labcorp Genetics (formerly Invitae), Labcorp
Classification: Pathogenic. Last evaluated: 2022-12-26. Review status: criteria provided, single submitter. Criteria: Invitae Variant Classification Sherloc (09022015). Collection method: clinical testing. Allele origin: germline.
Comment: For these reasons, this variant has been classified as Pathogenic. This variant disrupts a region of the NTHL1 protein in which other variant(s) (p.Gln287*) have been determined to be pathogenic (PMID: 27329137, 28912133, 30552997, 30753826). This suggests that this is a clinically significant region of the protein, and that variants that disrupt it are likely to be disease-causing. This variant has not been reported in the literature in individuals affected with NTHL1-related conditions. This variant results in the deletion of part of exon 2 and exons 3-6 (c.211_61566del) of the NTHL1 gene. While this deletion is not anticipated to lead to nonsense mediated decay, it is expected to alter mRNA translation or result in a truncated protein product.

Literature cited by the submitters: PubMed 27329137; PubMed 28912133; PubMed 30552997; PubMed 30753826.